The following is an entry in ClinVar:

NM_024753.5(TTC21B):c.3370A>G (p.Ile1124Val)

Gene: TTC21B (tetratricopeptide repeat domain 21B; minus strand). Cytogenetic location: 2q24.3.
Variant type: single nucleotide variant.
Coding change: c.3370A>G on transcript NM_024753.5 (MANE Select); coding-DNA position 3370, A replaced by G.
Protein change: p.Ile1124Val; replaces isoleucine 1124 with valine.
Molecular consequence: missense variant.
Genome position (GRCh38, 1-based): chr2:165,888,368, T>C on the plus strand (A>G on the coding strand, the complement: TTC21B is on the minus strand). VCF-style: chr2-165888368-T-C. GRCh37 (hg19) VCF-style: chr2-166744878-T-C.
Other names: c.3370A>G (NM_024753.4); short protein forms I1124V.
Identifiers: ClinVar variation 2162230 (VCV002162230.2), dbSNP rs1365542213, ClinGen allele CA349047579.

ClinVar aggregate classification (germline): Uncertain significance. Review status: criteria provided, single submitter (1 of 4 stars). 2 submissions from 2 submitters: Uncertain significance (1). 1 of the submissions does not count toward it. Last evaluated 2022-08-16.

Conditions:
TTC21B-related disorder. Also called: TTC21B-related condition; TTC21B-related disorders.
Jeune thoracic dystrophy. Also called: Jeune syndrome; Infantile thoracic dystrophy; Thoracic pelvic phalangeal dystrophy; Jeune's syndrome; Chondroectodermal dysplasia-like syndrome; Short-rib thoracic dysplasia. Identifiers: Orphanet 474, MedGen C0265275, MONDO:0018770.
Nephronophthisis. Also called: Juvenile Nephronophthisis. Identifiers: Orphanet 655, MedGen C0687120, MONDO:0019005, HP:0000090.

gnomAD v4.1: 4 of 1,613,966 alleles (0.00025%); highest among the groups gnomAD compares: South Asian, 0.0022%; no homozygotes.

Submissions (2):

Labcorp Genetics (formerly Invitae), Labcorp
Classification: Uncertain significance for Jeune thoracic dystrophy; Nephronophthisis. Last evaluated: 2022-08-16. Review status: criteria provided, single submitter. Criteria: Invitae Variant Classification Sherloc (09022015). Collection method: clinical testing. Allele origin: germline.
Comment: This sequence change replaces isoleucine, which is neutral and non-polar, with valine, which is neutral and non-polar, at codon 1124 of the TTC21B protein (p.Ile1124Val). This variant is present in population databases (no rsID available, gnomAD 0.003%). This variant has not been reported in the literature in individuals affected with TTC21B-related conditions. Algorithms developed to predict the effect of missense changes on protein structure and function output the following: SIFT: "Tolerated"; PolyPhen-2: "Benign"; Align-GVGD: "Class C0". The valine amino acid residue is found in multiple mammalian species, which suggests that this missense change does not adversely affect protein function. In summary, the available evidence is currently insufficient to determine the role of this variant in disease. Therefore, it has been classified as a Variant of Uncertain Significance.

PreventionGenetics, part of Exact Sciences
Classification: Uncertain significance for TTC21B-related condition. Last evaluated: 2024-09-06. Review status: no assertion criteria provided. Collection method: clinical testing. Allele origin: germline. Not counted in ClinVar's aggregate classification.
Comment: The TTC21B c.3370A>G variant is predicted to result in the amino acid substitution p.Ile1124Val. To our knowledge, this variant has not been reported in the literature. This variant is reported in 0.0029% of alleles in individuals of Latino descent in gnomAD. At this time, the clinical significance of this variant is uncertain due to the absence of conclusive functional and genetic evidence.